The following is an entry in ClinVar:

ClinVar aggregate classification (germline): Uncertain significance (1 of 4 stars; one submission).

Conditions:
Inborn genetic diseases. Identifiers: MedGen C0950123, MeSH D030342.

Submission:

Ambry Genetics
Classification: Uncertain significance for Inborn genetic diseases. Last evaluated: 2024-06-09. Review status: criteria provided, single submitter. Criteria: Ambry Variant Classification Scheme 2023. Collection method: clinical testing. Allele origin: germline.
Comment: The p.D1838E variant (also known as c.5514T>A), located in coding exon 38 of the LRRK2 gene, results from a T to A substitution at nucleotide position 5514. The aspartic acid at codon 1838 is replaced by glutamic acid, an amino acid with highly similar properties. This amino acid position is conserved. In addition, this alteration is predicted to be tolerated by in silico analysis. Based on the available evidence, the clinical significance of this variant remains unclear.

NM_198578.4(LRRK2):c.5514T>A (p.Asp1838Glu)

Gene: LRRK2 (leucine rich repeat kinase 2; plus strand). Cytogenetic location: 12q12.
Variant type: single nucleotide variant.
Coding change: c.5514T>A on transcript NM_198578.4 (MANE Select); coding-DNA position 5514, T replaced by A.
Protein change: p.Asp1838Glu; replaces aspartic acid 1838 with glutamic acid.
Molecular consequence: missense variant.
Genome position (GRCh38, 1-based): chr12:40,323,164, T>A. VCF-style: chr12-40323164-T-A. GRCh37 (hg19) VCF-style: chr12-40716966-T-A.
Other names: short protein forms D1838E.
Identifiers: ClinVar variation 3292061 (VCV003292061.1).